The following is an entry in ClinVar:

ClinVar aggregate classification (germline): Benign. Review status: criteria provided, multiple submitters, no conflicts (2 of 4 stars). 6 submissions from 5 submitters: Benign (6). Last evaluated 2025-09-30.

Conditions:
Complement component 3 deficiency. Identifiers: Orphanet 280133, MedGen C3151071, MONDO:0013417, OMIM 613779.
Age related macular degeneration 9. Identifiers: MedGen C1969651, MONDO:0012659, OMIM 611378.
Atypical hemolytic-uremic syndrome. Identifiers: Orphanet 2134, MedGen C2931788, MONDO:0016244.
C3 glomerulonephritis. Also called: C3 GLOMERULOPATHY 3; Nephropathy due to CFHR5 Deficiency. Identifiers: Orphanet 329931, MedGen C4055342, MONDO:0013892, OMIM 614809.

Allele frequency attached by ClinVar (database versions not stated): gnomAD exomes 0.63690 and 0.67524; ESP Exome Variant Server 0.64701; gnomAD 0.65496 and 0.66064; ExAC 0.66713; TOPMed 0.67490; 1000 Genomes Project 30x 0.72876; 1000 Genomes Project 0.73263.
gnomAD v4.1: 936,580 of 1,464,216 alleles (64%); highest among the groups gnomAD compares: East Asian, 86%; 302,986 homozygotes.

Submissions (6):

Genomenon, Inc
Classification: Benign for Complement component 3 deficiency; C3 glomerulonephritis; Atypical hemolytic-uremic syndrome. Last evaluated: 2025-09-30. Review status: criteria provided, single submitter. Criteria: Genomenon Sequence Variant Interpretation Standards. Collection method: curation. Allele origin: germline. Affected: no.
Comment: C3 c.2355-23A>G is an intronic variant located in intron 18. This variant is present at high allele frequency in population databases. In conclusion, we classify C3 c.2355-23A>G as a benign variant.

Genome-Nilou Lab
Classification: Benign for Complement component 3 deficiency. Last evaluated: 2021-07-14. Review status: criteria provided, single submitter. Criteria: ACMG Guidelines, 2015. Collection method: clinical testing. Allele origin: germline. Affected: no.

Genome-Nilou Lab
Classification: Benign for Age related macular degeneration 9. Last evaluated: 2021-07-14. Review status: criteria provided, single submitter. Criteria: ACMG Guidelines, 2015. Collection method: clinical testing. Allele origin: germline. Affected: no.

GeneDx
Classification: Benign. Last evaluated: 2018-11-10. Review status: criteria provided, single submitter. Criteria: GeneDx Variant Classification Process June 2021. Collection method: clinical testing. Allele origin: germline. Affected: yes.

Mayo Clinic Laboratories, Mayo Clinic
Classification: Benign. Last evaluated: 2016-08-24. Review status: criteria provided, single submitter. Criteria: ACMG Guidelines, 2015. Collection method: clinical testing. Allele origin: germline. Observed: 1,067 variant alleles.

Breakthrough Genomics
Classification: Benign. Review status: criteria provided, single submitter. Criteria: ACMG Guidelines, 2015. Collection method: not provided. Allele origin: germline. Inheritance: Autosomal recessive inheritance. Affected: yes.

NM_000064.4(C3):c.2355-23A>G

Gene: C3 (complement C3; minus strand). Cytogenetic location: 19p13.3.
Variant type: single nucleotide variant.
Coding change: c.2355-23A>G on transcript NM_000064.4 (MANE Select); 23 bases into the intron before coding-DNA position 2355, A replaced by G.
Molecular consequence: intron variant.
Genome position (GRCh38, 1-based): chr19:6,702,235, T>C on the plus strand (A>G on the coding strand, the complement: C3 is on the minus strand). VCF-style: chr19-6702235-T-C. GRCh37 (hg19) VCF-style: chr19-6702246-T-C.
Identifiers: ClinVar variation 1192592 (VCV001192592.8), dbSNP rs432823, ClinGen allele CA9129102.